The following is an entry in ClinVar:

NM_001005498.4(RHBDF2):c.213G>A (p.Glu71=)

Gene: RHBDF2 (rhomboid 5 homolog 2; minus strand). Cytogenetic location: 17q25.1.
Variant type: single nucleotide variant.
Coding change: c.213G>A on transcript NM_001005498.4 (MANE Select); coding-DNA position 213, G replaced by A.
Protein change: p.Glu71=; no amino-acid change (glutamic acid 71 retained).
Molecular consequence: synonymous variant. On other transcripts: non-coding transcript variant (3).
Genome position (GRCh38, 1-based): chr17:76,479,792, C>T on the plus strand (G>A on the coding strand, the complement: RHBDF2 is on the minus strand). VCF-style: chr17-76479792-C-T. GRCh37 (hg19) VCF-style: chr17-74475874-C-T.
Other names: c.213G>A, p.Glu71= (NM_001376228.1, NM_001376229.1, NM_001376230.1); c.300G>A, p.Glu100= (NM_024599.5).
Identifiers: ClinVar variation 325465 (VCV000325465.18), dbSNP rs146553433, ClinGen allele CA8787444.

ClinVar aggregate classification (germline): Benign/Likely benign. Review status: criteria provided, multiple submitters, no conflicts (2 of 4 stars). 4 submissions from 4 submitters: Benign (2); Likely benign (2). Last evaluated 2025-12-03.

Conditions:
Palmoplantar keratoderma-esophageal carcinoma syndrome (TOC). Also called: PALMOPLANTAR KERATODERMA WITH ESOPHAGEAL CANCER; KERATOSIS PALMARIS ET PLANTARIS WITH ESOPHAGEAL CANCER; Tylosis with Esophageal Cancer. Identifiers: Orphanet 2198, MedGen C1835664, MONDO:0007856, OMIM 148500.

Allele frequency attached by ClinVar (database versions not stated): ESP Exome Variant Server 0.00015; gnomAD 0.00029 and 0.00033; TOPMed 0.00043; ExAC 0.00045; gnomAD exomes 0.00045 and 0.00062.
gnomAD v4.1: 946 of 1,613,174 alleles (0.059%); highest among the groups gnomAD compares: Non-Finnish European, 0.073%; 1 homozygote.

Submissions (4):

Labcorp Genetics (formerly Invitae), Labcorp
Classification: Benign. Last evaluated: 2025-12-03. Review status: criteria provided, single submitter. Criteria: Invitae Variant Classification Sherloc (09022015). Collection method: clinical testing. Allele origin: germline.

Blueprint Genetics
Classification: Likely benign. Last evaluated: 2024-10-30. Review status: criteria provided, single submitter. Criteria: ACMG Guidelines, 2015. Collection method: clinical testing. Allele origin: germline.

Fulgent Genetics
Classification: Likely benign for Palmoplantar keratoderma-esophageal carcinoma syndrome. Last evaluated: 2021-10-20. Review status: criteria provided, single submitter. Criteria: ACMG Guidelines, 2015. Collection method: clinical testing. Allele origin: unknown.

Illumina Laboratory Services, Illumina
Classification: Benign for Palmoplantar keratoderma-esophageal carcinoma syndrome. Last evaluated: 2018-01-12. Review status: criteria provided, single submitter. Criteria: ICSL Variant Classification Criteria 13 December 2019. Collection method: clinical testing. Allele origin: germline.
Comment: This variant was observed in the ICSL laboratory as part of a predisposition screen in an ostensibly healthy population. It had not been previously curated by ICSL or reported in the Human Gene Mutation Database (HGMD: prior to June 1st, 2018), and was therefore a candidate for classification through an automated scoring system. Utilizing variant allele frequency, disease prevalence and penetrance estimates, and inheritance mode, an automated score was calculated to assess if this variant is too frequent to cause the disease. Based on the score and internal cut-off values, a variant classified as benign is not then subjected to further curation. The score for this variant resulted in a classification of benign for this disease.